The following is an entry in ClinVar:

ClinVar aggregate classification (germline): Conflicting classifications of pathogenicity. Review status: criteria provided, conflicting classifications (1 of 4 stars). 7 submissions from 6 submitters: Uncertain significance (3); Benign (1); Likely benign (2). 1 of the submissions does not count toward it. Last evaluated 2026-05-11.

Conditions:
Fibrochondrogenesis 1 (FBCG1). Identifiers: Orphanet 2021, MedGen C3278138, MONDO:0009226, OMIM 228520.
Stickler syndrome type 2 (STL2). Also called: COL11A1-Related Stickler Syndrome; STICKLER SYNDROME, TYPE II; STICKLER SYNDROME, BEADED VITREOUS TYPE; STICKLER SYNDROME, VITREOUS TYPE 2. Identifiers: Orphanet 828, Orphanet 90654, MedGen C1858084, MONDO:0011493, OMIM 604841.
Retinal dystrophy. Also called: Inherited retinal dystrophy. Identifiers: Orphanet 71862, MedGen C0854723, MeSH D058499, MONDO:0019118, HP:0000556.
Inborn genetic diseases. Identifiers: MedGen C0950123, MeSH D030342.

Allele frequency attached by ClinVar (database versions not stated): gnomAD 0.00015 and 0.00014; ESP Exome Variant Server 0.00038; gnomAD exomes 0.00013 and 0.00028; TOPMed 0.00016; ExAC 0.00026; 1000 Genomes Project 0.00020; 1000 Genomes Project 30x 0.00031.
gnomAD v4.1: 212 of 1,613,852 alleles (0.013%); highest among the groups gnomAD compares: Middle Eastern, 0.016%; no homozygotes.

Submissions (7):

Women's Health and Genetics/Laboratory Corporation of America, LabCorp
Classification: Likely benign. Last evaluated: 2026-05-11. Review status: criteria provided, single submitter. Criteria: LabCorp Variant Classification Summary - May 2015. Collection method: clinical testing. Allele origin: germline.
Comment: Variant summary: COL11A1 c.845A>G (p.Glu282Gly) results in a non-conservative amino acid change in the encoded protein sequence. Algorithms developed to predict the effect of missense changes on protein structure and function are either unavailable or do not agree on the potential impact of this missense change. The variant allele was found at a frequency of 0.00028 in 251438 control chromosomes, predominantly at a frequency of 0.0051 within the Ashkenazi Jewish subpopulation in the gnomAD database. The observed variant frequency within Ashkenazi Jewish control individuals in the gnomAD database exceeds the estimated maximal expected allele frequency for disease-causing variants in COL11A1. To our knowledge, no occurrence of c.845A>G in individuals affected with COL11A1-related conditions and no experimental evidence demonstrating its impact on protein function have been reported. ClinVar contains an entry for this variant (Variation ID: 291542). Based on the evidence outlined above, the variant was classified as likely benign.

Labcorp Genetics (formerly Invitae), Labcorp
Classification: Benign. Last evaluated: 2025-12-11. Review status: criteria provided, single submitter. Criteria: Invitae Variant Classification Sherloc (09022015). Collection method: clinical testing. Allele origin: germline.

Ambry Genetics
Classification: Uncertain significance for Inborn genetic diseases. Last evaluated: 2021-06-11. Review status: criteria provided, single submitter. Criteria: Ambry Variant Classification Scheme 2023. Collection method: clinical testing. Allele origin: germline.

GeneDx
Classification: Likely benign. Last evaluated: 2020-09-28. Review status: criteria provided, single submitter. Criteria: GeneDx Variant Classification Process June 2021. Collection method: clinical testing. Allele origin: germline. Affected: yes.

Illumina Laboratory Services, Illumina
Classification: Uncertain significance for Stickler syndrome type 2. Last evaluated: 2018-01-13. Review status: criteria provided, single submitter. Criteria: ICSL Variant Classification Criteria 13 December 2019. Collection method: clinical testing. Allele origin: germline.

Illumina Laboratory Services, Illumina
Classification: Uncertain significance for Fibrochondrogenesis 1. Last evaluated: 2018-01-13. Review status: criteria provided, single submitter. Criteria: ICSL Variant Classification Criteria 13 December 2019. Collection method: clinical testing. Allele origin: germline.

Institute of Human Genetics, Univ. Regensburg, Univ. Regensburg
Classification: Uncertain significance for Retinal dystrophy. Last evaluated: 2023-01-01. Review status: no assertion criteria provided. Criteria: ACMG Guidelines, 2015. Collection method: clinical testing. Allele origin: germline. Affected: yes. Not counted in ClinVar's aggregate classification.

NM_001854.4(COL11A1):c.845A>G (p.Glu282Gly)

Gene: COL11A1 (collagen type XI alpha 1 chain; minus strand). Cytogenetic location: 1p21.1.
Variant type: single nucleotide variant.
Coding change: c.845A>G on transcript NM_001854.4 (MANE Select); coding-DNA position 845, A replaced by G.
Protein change: p.Glu282Gly; replaces glutamic acid 282 with glycine.
Molecular consequence: missense variant. On other transcripts: non-coding transcript variant (1), intron variant (2).
Genome position (GRCh38, 1-based): chr1:103,026,268, T>C on the plus strand (A>G on the coding strand, the complement: COL11A1 is on the minus strand). VCF-style: chr1-103026268-T-C. GRCh37 (hg19) VCF-style: chr1-103491824-T-C.
Other names: c.845A>G, p.Glu282Gly (NM_080630.4); c.781-655A>G (NM_001190709.2); c.781-316A>G (NM_080629.3); short protein forms E282G.
Identifiers: ClinVar variation 291542 (VCV000291542.18), dbSNP rs199539580, ClinGen allele CA975293.